The following is an entry in ClinVar:

ClinVar aggregate classification (germline): Uncertain significance (1 of 4 stars; one submission).

Conditions:
Polycystic kidney disease 2 (PKD2). Also called: POLYCYSTIC KIDNEY DISEASE, ADULT, TYPE II; Polycystic Kidney Disease 2, Autosomal Dominant; POLYCYSTIC KIDNEY DISEASE 2 WITH OR WITHOUT POLYCYSTIC LIVER DISEASE. Identifiers: MedGen C2751306, MONDO:0013131, OMIM 613095.

Submission:

Centre for Mendelian Genomics, University Medical Centre Ljubljana
Classification: Uncertain significance for Polycystic kidney disease 2. Last evaluated: 2016-01-01. Review status: criteria provided, single submitter. Criteria: ACMG Guidelines, 2015. Collection method: clinical testing. Allele origin: unknown. Affected: yes.
Comment: This variant was classified as: Uncertain significance. The following ACMG criteria were applied in classifying this variant: PM2,PP3,PP4.

NM_000297.4(PKD2):c.1469A>T (p.Glu490Val)

Gene: PKD2 (polycystin 2, transient receptor potential cation channel; plus strand). Cytogenetic location: 4q22.1.
Variant type: single nucleotide variant.
Coding change: c.1469A>T on transcript NM_000297.4 (MANE Select); coding-DNA position 1469, A replaced by T.
Protein change: p.Glu490Val; replaces glutamic acid 490 with valine.
Molecular consequence: missense variant. On other transcripts: non-coding transcript variant (1).
Genome position (GRCh38, 1-based): chr4:88,046,791, A>T. VCF-style: chr4-88046791-A-T. GRCh37 (hg19) VCF-style: chr4-88967943-A-T.
Other names: short protein forms E490V.
Identifiers: ClinVar variation 932029 (VCV000932029.3), dbSNP rs1727790126, ClinGen allele CA357619465.